The following is an entry in ClinVar:

NM_001458.5(FLNC):c.174C>G (p.Thr58=)

Gene: FLNC (filamin C; plus strand). Cytogenetic location: 7q32.1.
Variant type: single nucleotide variant.
Coding change: c.174C>G on transcript NM_001458.5 (MANE Select); coding-DNA position 174, C replaced by G.
Protein change: p.Thr58=; no amino-acid change (threonine 58 retained).
Molecular consequence: synonymous variant.
Genome position (GRCh38, 1-based): chr7:128,830,811, C>G. VCF-style: chr7-128830811-C-G. GRCh37 (hg19) VCF-style: chr7-128470865-C-G.
Other names: c.174C>G, p.Thr58= (NM_001127487.2).
Identifiers: ClinVar variation 471986 (VCV000471986.36), dbSNP rs763488290, ClinGen allele CA4473967.

ClinVar aggregate classification (germline): Likely benign. Review status: criteria provided, multiple submitters, no conflicts (2 of 4 stars). 4 submissions from 4 submitters: Likely benign (4). Last evaluated 2025-10-02.

Conditions:
Cardiovascular phenotype. Identifiers: MedGen CN230736.
Hypertrophic cardiomyopathy 26. Also called: Cardiomyopathy, familial hypertrophic, 26. Identifiers: Orphanet 75249, MedGen C4310749, MONDO:0014883, OMIM 617047.
Myofibrillar myopathy 5. Also called: Filaminopathy (type); FILAMINOPATHY, AUTOSOMAL DOMINANT. Identifiers: Orphanet 171445, MedGen C1836050, MONDO:0012289, OMIM 609524.
Distal myopathy with posterior leg and anterior hand involvement. Also called: WILLIAMS DISTAL MYOPATHY. Identifiers: Orphanet 63273, MedGen C3279722, MONDO:0013550, OMIM 614065.

Allele frequency attached by ClinVar (database versions not stated): ExAC 0.00002; gnomAD exomes 0.00002; TOPMed 0.00002.

Submissions (4):

Labcorp Genetics (formerly Invitae), Labcorp
Classification: Likely benign for Distal myopathy with posterior leg and anterior hand involvement; Myofibrillar myopathy 5; Hypertrophic cardiomyopathy 26. Last evaluated: 2025-10-02. Review status: criteria provided, single submitter. Criteria: Invitae Variant Classification Sherloc (09022015). Collection method: clinical testing. Allele origin: germline.

CeGaT Center for Human Genetics Tuebingen
Classification: Likely benign. Last evaluated: 2024-10-01. Review status: criteria provided, single submitter. Criteria: CeGaT Center For Human Genetics Tuebingen Variant Classification Criteria Version 2. Collection method: clinical testing. Allele origin: germline. Affected: yes. Observed: 2 variant alleles.
Comment: FLNC: BP4, BP7

Ambry Genetics
Classification: Likely benign for Cardiovascular phenotype. Last evaluated: 2021-04-19. Review status: criteria provided, single submitter. Criteria: Ambry Variant Classification Scheme 2023. Collection method: clinical testing. Allele origin: germline.

GeneDx
Classification: Likely benign. Last evaluated: 2017-01-24. Review status: criteria provided, single submitter. Criteria: GeneDx Variant Classification (06012015). Collection method: clinical testing. Allele origin: germline. Affected: yes.
Comment: This variant is considered likely benign or benign based on one or more of the following criteria: it is a conservative change, it occurs at a poorly conserved position in the protein, it is predicted to be benign by multiple in silico algorithms, and/or has population frequency not consistent with disease.